The following is an entry in ClinVar:

NM_001101362.3(KBTBD13):c.-16G>A

Gene: KBTBD13 (kelch repeat and BTB domain containing 13; plus strand). Cytogenetic location: 15q22.31.
Variant type: single nucleotide variant.
Coding change: c.-16G>A on transcript NM_001101362.3 (MANE Select); 16 bases upstream of the start codon, G replaced by A.
Molecular consequence: 5 prime UTR variant.
Genome position (GRCh38, 1-based): chr15:65,076,800, G>A. VCF-style: chr15-65076800-G-A. GRCh37 (hg19) VCF-style: chr15-65369138-G-A.
Identifiers: ClinVar variation 506681 (VCV000506681.2), dbSNP rs374744877, ClinGen allele CA7613826.

ClinVar aggregate classification (germline): Likely benign. Review status: criteria provided, multiple submitters, no conflicts (2 of 4 stars). 2 submissions from 2 submitters: Likely benign (2). Last evaluated 2024-11-20.

Allele frequency attached by ClinVar (database versions not stated): 1000 Genomes Project 30x 0.00031; ESP Exome Variant Server 0.00055; gnomAD exomes 0.00065; gnomAD 0.00080 and 0.00083; TOPMed 0.00090; ExAC 0.00109.

Submissions (2):

Blueprint Genetics
Classification: Likely benign. Last evaluated: 2024-11-20. Review status: criteria provided, single submitter. Criteria: ACMG Guidelines, 2015. Collection method: clinical testing. Allele origin: germline.

GeneDx
Classification: Likely benign. Last evaluated: 2017-04-10. Review status: criteria provided, single submitter. Criteria: GeneDx Variant Classification (06012015). Collection method: clinical testing. Allele origin: germline. Affected: yes.
Comment: This variant is considered likely benign or benign based on one or more of the following criteria: it is a conservative change, it occurs at a poorly conserved position in the protein, it is predicted to be benign by multiple in silico algorithms, and/or has population frequency not consistent with disease.